The following is an entry in ClinVar:

ClinVar aggregate classification (germline): Pathogenic (1 of 4 stars; one submission).

Conditions:
Perlman syndrome (PRLMNS). Identifiers: Orphanet 2849, MedGen C0796113, MONDO:0009965, OMIM 267000.

Submission:

Labcorp Genetics (formerly Invitae), Labcorp
Classification: Pathogenic for Perlman syndrome. Last evaluated: 2020-11-11. Review status: criteria provided, single submitter. Criteria: Invitae Variant Classification Sherloc (09022015). Collection method: clinical testing. Allele origin: germline.
Comment: This sequence change creates a premature translational stop signal (p.Tyr696*) in the DIS3L2 gene. It is expected to result in an absent or disrupted protein product. Loss-of-function variants in DIS3L2 are known to be pathogenic (PMID: 22306653, 28328139). This variant is not present in population databases (ExAC no frequency). This variant has not been reported in the literature in individuals with DIS3L2-related conditions. Algorithms developed to predict the effect of sequence changes on RNA splicing suggest that this variant may create or strengthen a splice site, but this prediction has not been confirmed by published transcriptional studies. For these reasons, this variant has been classified as Pathogenic.

Literature cited by the submitters: PubMed 22306653; PubMed 28328139.

NM_152383.5(DIS3L2):c.2088C>G (p.Tyr696Ter)

Gene: DIS3L2 (DIS3 like 3'-5' exoribonuclease 2; plus strand). Cytogenetic location: 2q37.1.
Variant type: single nucleotide variant.
Coding change: c.2088C>G on transcript NM_152383.5 (MANE Select); coding-DNA position 2088, C replaced by G.
Protein change: p.Tyr696Ter; replaces tyrosine 696 with a stop codon.
Molecular consequence: nonsense. On other transcripts: non-coding transcript variant (2), intron variant (1).
Genome position (GRCh38, 1-based): chr2:232,333,917, C>G. VCF-style: chr2-232333917-C-G. GRCh37 (hg19) VCF-style: chr2-233198627-C-G.
Other names: c.1582-9428C>G (NM_001257281.2); short protein forms Y696*.
Identifiers: ClinVar variation 1417497 (VCV001417497.6), dbSNP rs2106353572, ClinGen allele CA350977451.